The following is an entry in ClinVar:

ClinVar aggregate classification (germline): Uncertain significance (1 of 4 stars; one submission).

Conditions:
Isolated microphthalmia 5. Also called: Posterior Microphthalmia with Retinitis Pigmentosa, Foveoschisis, and Optic Disc Drusen. Identifiers: Orphanet 251279, MedGen C1970236, MONDO:0012605, OMIM 611040.

gnomAD v4.1: 11 of 1,593,294 alleles (0.00069%); highest among the groups gnomAD compares: African/African-American, 0.004%; no homozygotes.

Submission:

Labcorp Genetics (formerly Invitae), Labcorp
Classification: Uncertain significance for Isolated microphthalmia 5. Last evaluated: 2022-07-12. Review status: criteria provided, single submitter. Criteria: Invitae Variant Classification Sherloc (09022015). Collection method: clinical testing. Allele origin: germline.
Comment: This sequence change replaces arginine, which is basic and polar, with glutamine, which is neutral and polar, at codon 57 of the MFRP protein (p.Arg57Gln). The frequency data for this variant in the population databases is considered unreliable, as metrics indicate poor data quality at this position in the gnomAD database. This variant has not been reported in the literature in individuals affected with MFRP-related conditions. Algorithms developed to predict the effect of missense changes on protein structure and function output the following: SIFT: "Tolerated"; PolyPhen-2: "Benign"; Align-GVGD: "Class C0". The glutamine amino acid residue is found in multiple mammalian species, which suggests that this missense change does not adversely affect protein function. In summary, the available evidence is currently insufficient to determine the role of this variant in disease. Therefore, it has been classified as a Variant of Uncertain Significance.

NM_031433.4(MFRP):c.170G>A (p.Arg57Gln)

Genes: C1QTNF5 (C1q and TNF related 5; minus strand), MFRP (membrane frizzled-related protein; minus strand). Cytogenetic location: 11q23.3.
Variant type: single nucleotide variant.
Coding change: c.170G>A on transcript NM_031433.4 (MANE Select); coding-DNA position 170, G replaced by A.
Protein change: p.Arg57Gln; replaces arginine 57 with glutamine.
Molecular consequence: missense variant. On other transcripts: 5 prime UTR variant (1).
Genome position (GRCh38, 1-based): chr11:119,346,147, C>T on the plus strand (G>A on the coding strand, the complement: MFRP is on the minus strand). VCF-style: chr11-119346147-C-T. GRCh37 (hg19) VCF-style: chr11-119216857-C-T.
Other names: c.-2467G>A (NM_015645.5); short protein forms R57Q.
Identifiers: ClinVar variation 2199670 (VCV002199670.1), dbSNP rs746764269, ClinGen allele CA6320673.